The following is an entry in ClinVar:

ClinVar aggregate classification (germline): Uncertain significance (1 of 4 stars; one submission).

Conditions:
Islet cell adenomatosis. Identifiers: MedGen C1578917, MONDO:0007834, OMIM 147630.

Submission:

3billion
Classification: Uncertain significance for Islet cell adenomatosis. Last evaluated: 2024-08-15. Review status: criteria provided, single submitter. Criteria: ACMG Guidelines, 2015. Collection method: clinical testing. Allele origin: germline. Affected: yes.
Comment: The variant is not observed in the gnomAD v4.0.0 dataset. Predicted Consequence/Location: Missense changes are a common disease-causing mechanism. In silico tool predictions suggest damaging effect of the variant on gene or gene product [REVEL: 0.81 (>=0.6, sensitivity 0.68 and specificity 0.92); 3Cnet: 0.97 (>=0.6, sensitivity 0.72 and precision 0.9)]. Therefore, this variant is classified as VUS according to the recommendation of ACMG/AMP guideline.

NM_201589.4(MAFA):c.182C>T (p.Ser61Phe)

Gene: MAFA (MAF bZIP transcription factor A; minus strand). Cytogenetic location: 8q24.3.
Variant type: single nucleotide variant.
Coding change: c.182C>T on transcript NM_201589.4 (MANE Select); coding-DNA position 182, C replaced by T.
Protein change: p.Ser61Phe; replaces serine 61 with phenylalanine.
Molecular consequence: missense variant.
Genome position (GRCh38, 1-based): chr8:143,430,225, G>A on the plus strand (C>T on the coding strand, the complement: MAFA is on the minus strand). VCF-style: chr8-143430225-G-A. GRCh37 (hg19) VCF-style: chr8-144512395-G-A.
Other names: short protein forms S61F.
Identifiers: ClinVar variation 4292110 (VCV004292110.1).